The following is an entry in ClinVar:

NM_001626.6(AKT2):c.1366+20G>A

Gene: AKT2 (AKT serine/threonine kinase 2; minus strand). Cytogenetic location: 19q13.2.
Variant type: single nucleotide variant.
Coding change: c.1366+20G>A on transcript NM_001626.6 (MANE Select); 20 bases into the intron after coding-DNA position 1366, G replaced by A.
Molecular consequence: intron variant.
Genome position (GRCh38, 1-based): chr19:40,235,025, C>T on the plus strand (G>A on the coding strand, the complement: AKT2 is on the minus strand). VCF-style: chr19-40235025-C-T. GRCh37 (hg19) VCF-style: chr19-40740932-C-T.
Other names: c.1180+20G>A (NM_001243028.3, NM_001243027.3); c.1237+20G>A (NM_001330511.1).
Identifiers: ClinVar variation 1598854 (VCV001598854.33), dbSNP rs375549081, ClinGen allele CA9441465.

ClinVar aggregate classification (germline): Benign/Likely benign. Review status: criteria provided, multiple submitters, no conflicts (2 of 4 stars). 3 submissions from 3 submitters: Benign (1); Likely benign (2). Last evaluated 2025-10-02.

Conditions:
Type 2 diabetes mellitus. Also called: Type II diabetes mellitus. Identifiers: MedGen C0011860, MeSH D003924, MONDO:0005148, OMIM 125853, HP:0005978.
Hypoinsulinemic hypoglycemia and body hemihypertrophy. Also called: Hypoinsulinemic hypoglycemia and hemihypertrophy. Identifiers: Orphanet 293964, MedGen C3278384, MONDO:0009416, OMIM 240900.

Allele frequency attached by ClinVar (database versions not stated): 1000 Genomes Project 30x 0.00016; 1000 Genomes Project 0.00020; ESP Exome Variant Server 0.00038; gnomAD 0.00040 and 0.00042; gnomAD exomes 0.00040; TOPMed 0.00044; ExAC 0.00050.
gnomAD v4.1: 664 of 1,608,734 alleles (0.041%); highest among the groups gnomAD compares: Middle Eastern, 0.083%; no homozygotes.

Submissions (3):

Labcorp Genetics (formerly Invitae), Labcorp
Classification: Benign for Hypoinsulinemic hypoglycemia and body hemihypertrophy; Type 2 diabetes mellitus. Last evaluated: 2025-10-02. Review status: criteria provided, single submitter. Criteria: Invitae Variant Classification Sherloc (09022015). Collection method: clinical testing. Allele origin: germline.

Blueprint Genetics
Classification: Likely benign. Last evaluated: 2024-11-08. Review status: criteria provided, single submitter. Criteria: ACMG Guidelines, 2015. Collection method: clinical testing. Allele origin: germline.

CeGaT Center for Human Genetics Tuebingen
Classification: Likely benign. Last evaluated: 2023-05-01. Review status: criteria provided, single submitter. Criteria: CeGaT Center For Human Genetics Tuebingen Variant Classification Criteria Version 2. Collection method: clinical testing. Allele origin: germline. Affected: yes. Observed: 2 variant alleles.
Comment: AKT2: BP4, BP7